The following is an entry in ClinVar:

ClinVar aggregate classification (germline): Benign. Review status: criteria provided, multiple submitters, no conflicts (2 of 4 stars). 7 submissions from 7 submitters: Benign (7). Last evaluated 2026-01-25.

Conditions:
SYNE2-related disorder. Also called: SYNE2-related condition.
Emery-Dreifuss muscular dystrophy 5, autosomal dominant (EDMD5). Also called: EMERY-DREIFUSS MUSCULAR DYSTROPHY 5. Identifiers: Orphanet 261, MedGen C2751805, MONDO:0013072, OMIM 612999.

Allele frequency attached by ClinVar (database versions not stated): gnomAD exomes 0.00179 and 0.00464; ExAC 0.00571; gnomAD 0.01877 and 0.02006; ESP Exome Variant Server 0.01878; 1000 Genomes Project 0.02157; TOPMed 0.02189; 1000 Genomes Project 30x 0.02295.
gnomAD v4.1: 5,598 of 1,607,958 alleles (0.35%); highest among the groups gnomAD compares: African/African-American, 6.5%; 186 homozygotes.

Submissions (7):

Labcorp Genetics (formerly Invitae), Labcorp
Classification: Benign for Emery-Dreifuss muscular dystrophy 5, autosomal dominant. Last evaluated: 2026-01-25. Review status: criteria provided, single submitter. Criteria: Invitae Variant Classification Sherloc (09022015). Collection method: clinical testing. Allele origin: germline.

PreventionGenetics, part of Exact Sciences
Classification: Benign for SYNE2-related condition. Last evaluated: 2025-04-04. Review status: criteria provided, single submitter. Criteria: ACMG Guidelines, 2015. Collection method: clinical testing. Allele origin: germline.
Comment: This variant is classified as benign based on ACMG/AMP sequence variant interpretation guidelines (Richards et al. 2015 PMID: 25741868, with internal and published modifications).

Athena Diagnostics
Classification: Benign. Last evaluated: 2019-11-08. Review status: criteria provided, single submitter. Criteria: Athena Diagnostics Criteria. Collection method: clinical testing. Allele origin: unknown.

GeneDx
Classification: Benign. Last evaluated: 2018-07-14. Review status: criteria provided, single submitter. Criteria: GeneDx Variant Classification Process June 2021. Collection method: clinical testing. Allele origin: germline. Affected: yes.

Illumina Laboratory Services, Illumina
Classification: Benign for Emery-Dreifuss muscular dystrophy 5, autosomal dominant. Last evaluated: 2018-01-13. Review status: criteria provided, single submitter. Criteria: ICSL Variant Classification Criteria 13 December 2019. Collection method: clinical testing. Allele origin: germline.
Comment: This variant was observed in the ICSL laboratory as part of a predisposition screen in an ostensibly healthy population. It had not been previously curated by ICSL or reported in the Human Gene Mutation Database (HGMD: prior to June 1st, 2018), and was therefore a candidate for classification through an automated scoring system. Utilizing variant allele frequency, disease prevalence and penetrance estimates, and inheritance mode, an automated score was calculated to assess if this variant is too frequent to cause the disease. Based on the score and internal cut-off values, a variant classified as benign is not then subjected to further curation. The score for this variant resulted in a classification of benign for this disease.

Genetic Services Laboratory, University of Chicago
Classification: Benign for AllHighlyPenetrant. Last evaluated: 2013-08-15. Review status: criteria provided, single submitter. Criteria: ACMG Guidelines, 2007. Collection method: clinical testing. Allele origin: germline. Inheritance: Autosomal dominant inheritance.

Breakthrough Genomics
Classification: Benign. Review status: criteria provided, single submitter. Criteria: ACMG Guidelines, 2015. Collection method: not provided. Allele origin: germline. Inheritance: Autosomal dominant inheritance. Affected: yes.

NM_182914.3(SYNE2):c.1296C>A (p.Ser432Arg)

Gene: SYNE2 (spectrin repeat containing nuclear envelope protein 2; plus strand). Cytogenetic location: 14q23.2.
Variant type: single nucleotide variant.
Coding change: c.1296C>A on transcript NM_182914.3 (MANE Select); coding-DNA position 1296, C replaced by A.
Protein change: p.Ser432Arg; replaces serine 432 with arginine.
Molecular consequence: missense variant.
Genome position (GRCh38, 1-based): chr14:63,977,907, C>A. VCF-style: chr14-63977907-C-A. GRCh37 (hg19) VCF-style: chr14-64444625-C-A.
Other names: c.1296C>A, p.Ser432Arg (NM_015180.6); short protein forms S432R.
Identifiers: ClinVar variation 130469 (VCV000130469.24), dbSNP rs35554503, ClinGen allele CA155527.